The following is an entry in ClinVar:

ClinVar aggregate classification (germline): Likely pathogenic (1 of 4 stars; one submission).

Conditions:
Dilated cardiomyopathy 1G (CMD1G). Identifiers: Orphanet 154, MedGen C1858763, MONDO:0011400, OMIM 604145.
Autosomal recessive limb-girdle muscular dystrophy type 2J (LGMDR10). Also called: Limb-girdle muscular dystrophy, type 2J; MUSCULAR DYSTROPHY, LIMB-GIRDLE, AUTOSOMAL RECESSIVE 10. Identifiers: Orphanet 140922, MedGen C1837342, MONDO:0012127, OMIM 608807.

Submission:

Labcorp Genetics (formerly Invitae), Labcorp
Classification: Likely pathogenic for Dilated cardiomyopathy 1G; Autosomal recessive limb-girdle muscular dystrophy type 2J. Last evaluated: 2018-09-23. Review status: criteria provided, single submitter. Criteria: Invitae Variant Classification Sherloc (09022015). Collection method: clinical testing. Allele origin: germline.
Comment: This variant is located in the A band of TTN (PMID: 25589632). Truncating variants in this region are significantly overrepresented in patients affected with dilated cardiomyopathy (PMID: 25589632). Truncating variants in this region have also been reported in individuals affected with autosomal recessive centronuclear myopathy (PMID: 23975875). In summary, the currently available evidence indicates that the variant is pathogenic, but additional data are needed to prove that conclusively. Therefore, this variant has been classified as Likely Pathogenic. This variant has not been reported in the literature in individuals with TTN-related disease. This variant is not present in population databases (ExAC no frequency). This sequence change results in a premature translational stop signal in the TTN gene (p.Thr22776Tyrfs*19). While this is not anticipated to result in nonsense mediated decay, it is expected to create a truncated TTN protein.

Literature cited by the submitters: PubMed 25589632; PubMed 23975875.

NM_001267550.2(TTN):c.68325dup (p.Thr22776fs)

Genes: TTN-AS1 (TTN antisense RNA 1; plus strand), TTN (titin; minus strand), LOC126806423 (CDK7 strongly-dependent group 2 enhancer GRCh37_chr2:179443309-179444508; plus strand). Cytogenetic location: 2q31.2.
Variant type: Duplication.
Coding change: c.68325dup on transcript NM_001267550.2 (MANE Select); coding-DNA position 68325, one base duplicated (T; older notation c.68325dupT).
Protein change: p.Thr22776fs; shifts the reading frame from threonine 22776.
Molecular consequence: frameshift variant.
Genome position (GRCh38, 1-based): chr2:178,578,615, A duplicated on the plus strand (T on the coding strand, the reverse complement: TTN is on the minus strand); the first of 2 consecutive A bases (chr2:178,578,615-178,578,616); duplicating either gives the same sequence. VCF-style (leftmost placement, unchanged base first): chr2-178578614-T-TA. GRCh37 (hg19) VCF-style: chr2-179443341-T-TA.
Other names: c.68325dupT (NM_001267550.2); c.63402dup, p.Thr21135fs (NM_001256850.1); c.41130dup, p.Thr13711fs (NM_003319.4); c.60621dup, p.Thr20208fs (NM_133378.4); c.41505dup, p.Thr13836fs (NM_133432.3); c.41706dup, p.Thr13903fs (NM_133437.4); short protein forms T13836fs, T20208fs, T13903fs, T13711fs, T21135fs, T22776fs.
Identifiers: ClinVar variation 659069 (VCV000659069.9), dbSNP rs1575853060, ClinGen allele CA915942159.